The following is an entry in ClinVar:

NM_004168.4(SDHA):c.1869G>A (p.Arg623=)

Gene: SDHA (succinate dehydrogenase complex flavoprotein subunit A; plus strand). Cytogenetic location: 5p15.33.
Variant type: single nucleotide variant.
Coding change: c.1869G>A on transcript NM_004168.4 (MANE Select); coding-DNA position 1869, G replaced by A.
Protein change: p.Arg623=; no amino-acid change (arginine 623 retained).
Molecular consequence: synonymous variant.
Genome position (GRCh38, 1-based): chr5:254,467, G>A. VCF-style: chr5-254467-G-A. GRCh37 (hg19) VCF-style: chr5-254582-G-A.
Other names: c.1725G>A, p.Arg575= (NM_001294332.2); c.1626G>A, p.Arg542= (NM_001330758.2).
Identifiers: ClinVar variation 1781626 (VCV001781626.3), dbSNP rs2477476846, ClinGen allele CA359002029.
Genomic context (GRCh38, chr5:254,467, plus strand): 5'-GTACGATTACTCCAAGCCCATCCAGGGGCAACAGAAGAAGCCCTTTGAGGAGCACTGGAG[G>A]AAGCACACCCTGTCCTATGTGGACGTTGGCACTGGGAAGGTCAGTGTGGAGCTCGTTCTC-3'
Protein context (NP_004159.2, residues 613-633): QQKKPFEEHW[Arg623=]KHTLSYVDVG

ClinVar aggregate classification (germline): Benign/Likely benign. Review status: criteria provided, multiple submitters, no conflicts (2 of 4 stars). 2 submissions from 2 submitters: Benign (1); Likely benign (1). Last evaluated 2025-03-11.

Conditions:
Pheochromocytoma/paraganglioma syndrome 5. Also called: Paragangliomas 5; SDHA-Related Hereditary Paraganglioma-Pheochromocytoma Syndrome. Identifiers: Orphanet 29072, MedGen C3279992, MONDO:0013602, OMIM 614165.
Hereditary cancer-predisposing syndrome. Also called: Tumor predisposition; Hereditary Cancer Syndrome; Hereditary neoplastic syndrome; Neoplastic Syndromes, Hereditary. Identifiers: Orphanet 140162, MedGen C0027672, MeSH D009386, MONDO:0015356.

Submissions (2):

Myriad Genetics, Inc.
Classification: Benign for Pheochromocytoma/paraganglioma syndrome 5. Last evaluated: 2025-03-11. Review status: criteria provided, single submitter. Criteria: Myriad Autosomal Dominant, Autosomal Recessive and X-Linked Classification Criteria (2023). Collection method: clinical testing. Allele origin: unknown.
Comment: This variant is considered benign. This variant is a silent/synonymous amino acid change and it is not expected to impact splicing.

Ambry Genetics
Classification: Likely benign for Hereditary cancer-predisposing syndrome. Last evaluated: 2021-06-30. Review status: criteria provided, single submitter. Criteria: Ambry Variant Classification Scheme 2023. Collection method: clinical testing. Allele origin: germline.